The following is an entry in ClinVar:

ClinVar aggregate classification (germline): Likely benign. Review status: criteria provided, multiple submitters, no conflicts (2 of 4 stars). 2 submissions from 2 submitters: Likely benign (2). Last evaluated 2026-01-30.

Allele frequency attached by ClinVar (database versions not stated): gnomAD exomes 0.00001; ExAC 0.00002; gnomAD 0.00003; TOPMed 0.00006.
gnomAD v4.1: 21 of 1,590,330 alleles (0.0013%); highest among the groups gnomAD compares: African/African-American, 0.024%; no homozygotes.

Submissions (2):

Labcorp Genetics (formerly Invitae), Labcorp
Classification: Likely benign. Last evaluated: 2026-01-30. Review status: criteria provided, single submitter. Criteria: Invitae Variant Classification Sherloc (09022015). Collection method: clinical testing. Allele origin: germline.

CeGaT Center for Human Genetics Tuebingen
Classification: Likely benign. Last evaluated: 2025-02-01. Review status: criteria provided, single submitter. Criteria: CeGaT Center For Human Genetics Tuebingen Variant Classification Criteria Version 2. Collection method: clinical testing. Allele origin: germline. Affected: yes. Observed: 1 variant allele.
Comment: DUOX2: BP4, BP7

NM_001363711.2(DUOX2):c.1797C>T (p.Ala599=)

Gene: DUOX2 (dual oxidase 2; minus strand). Cytogenetic location: 15q21.1.
Variant type: single nucleotide variant.
Coding change: c.1797C>T on transcript NM_001363711.2 (MANE Select); coding-DNA position 1797, C replaced by T.
Protein change: p.Ala599=; no amino-acid change (alanine 599 retained).
Molecular consequence: synonymous variant.
Genome position (GRCh38, 1-based): chr15:45,106,866, G>A on the plus strand (C>T on the coding strand, the complement: DUOX2 is on the minus strand). VCF-style: chr15-45106866-G-A. GRCh37 (hg19) VCF-style: chr15-45399064-G-A.
Other names: c.1797C>T, p.Ala599= (NM_014080.5).
Identifiers: ClinVar variation 2973226 (VCV002973226.16), dbSNP rs113852603, ClinGen allele CA7538499.